The following is an entry in ClinVar:

ClinVar aggregate classification (germline): Uncertain significance (1 of 4 stars; one submission).

Conditions:
Bethlem myopathy 1A. Also called: Bethlem Muscular Dystrophy; Bethlem myopathy 1; MYOPATHY, BENIGN CONGENITAL, WITH CONTRACTURES. Identifiers: Orphanet 610, MedGen CN029274, MONDO:0024530, OMIM 158810.

Allele frequency attached by ClinVar (database versions not stated): ExAC 0.00001.
gnomAD v4.1: 4 of 1,605,452 alleles (0.00025%); highest among the groups gnomAD compares: South Asian, 0.0033%; no homozygotes.

Submission:

Labcorp Genetics (formerly Invitae), Labcorp
Classification: Uncertain significance for Bethlem myopathy 1A. Last evaluated: 2022-04-24. Review status: criteria provided, single submitter. Criteria: Invitae Variant Classification Sherloc (09022015). Collection method: clinical testing. Allele origin: germline.
Comment: In summary, the available evidence is currently insufficient to determine the role of this variant in disease. Therefore, it has been classified as a Variant of Uncertain Significance. Advanced modeling of protein sequence and biophysical properties (such as structural, functional, and spatial information, amino acid conservation, physicochemical variation, residue mobility, and thermodynamic stability) performed at Invitae indicates that this missense variant is not expected to disrupt COL6A1 protein function. This variant has not been reported in the literature in individuals affected with COL6A1-related conditions. The frequency data for this variant in the population databases is considered unreliable, as metrics indicate poor data quality at this position in the gnomAD database. This sequence change replaces cysteine, which is neutral and slightly polar, with phenylalanine, which is neutral and non-polar, at codon 15 of the COL6A1 protein (p.Cys15Phe).

NM_001848.3(COL6A1):c.44G>T (p.Cys15Phe)

Gene: COL6A1 (collagen type VI alpha 1 chain; plus strand). Cytogenetic location: 21q22.3.
Variant type: single nucleotide variant.
Coding change: c.44G>T on transcript NM_001848.3 (MANE Select); coding-DNA position 44, G replaced by T.
Protein change: p.Cys15Phe; replaces cysteine 15 with phenylalanine.
Molecular consequence: missense variant.
Genome position (GRCh38, 1-based): chr21:45,981,894, G>T. VCF-style: chr21-45981894-G-T. GRCh37 (hg19) VCF-style: chr21-47401808-G-T.
Other names: short protein forms C15F.
Identifiers: ClinVar variation 2130400 (VCV002130400.4), dbSNP rs776678940, ClinGen allele CA10069426.